The following is an entry in ClinVar:

ClinVar aggregate classification (germline): Pathogenic (1 of 4 stars; one submission).

Conditions:
Cohen syndrome (COH1). Also called: PEPPER SYNDROME; Cutis verticis gyrata, retinitis pigmentosa, and sensorineural deafness. Identifiers: Orphanet 193, MedGen C0265223, MONDO:0008999, OMIM 216550.

Submission:

Labcorp Genetics (formerly Invitae), Labcorp
Classification: Pathogenic for Cohen syndrome. Last evaluated: 2023-09-13. Review status: criteria provided, single submitter. Criteria: Invitae Variant Classification Sherloc (09022015). Collection method: clinical testing. Allele origin: germline.
Comment: For these reasons, this variant has been classified as Pathogenic. This variant has not been reported in the literature in individuals affected with VPS13B-related conditions. This variant is not present in population databases (gnomAD no frequency). This sequence change creates a premature translational stop signal (p.Gln979*) in the VPS13B gene. It is expected to result in an absent or disrupted protein product. Loss-of-function variants in VPS13B are known to be pathogenic (PMID: 15141358, 16648375, 20461111).

Literature cited by the submitters: PubMed 15141358; PubMed 16648375; PubMed 20461111.

NM_152564.5(VPS13B):c.2935C>T (p.Gln979Ter)

Gene: VPS13B (vacuolar protein sorting 13 homolog B; plus strand). Cytogenetic location: 8q22.2.
Variant type: single nucleotide variant.
Coding change: c.2935C>T on transcript NM_152564.5 (MANE Select); coding-DNA position 2935, C replaced by T.
Protein change: p.Gln979Ter; replaces glutamine 979 with a stop codon.
Molecular consequence: nonsense.
Genome position (GRCh38, 1-based): chr8:99,391,557, C>T. VCF-style: chr8-99391557-C-T. GRCh37 (hg19) VCF-style: chr8-100403785-C-T.
Other names: c.2935C>T, p.Gln979Ter (NM_017890.5); short protein forms Q979*.
Identifiers: ClinVar variation 2760550 (VCV002760550.3), dbSNP rs2489874915, ClinGen allele CA371865567.